The following is an entry in ClinVar:

NM_001111.5(ADAR):c.2199G>T (p.Glu733Asp)

Gene: ADAR (adenosine deaminase RNA specific; minus strand). Cytogenetic location: 1q21.3.
Variant type: single nucleotide variant.
Coding change: c.2199G>T on transcript NM_001111.5 (MANE Select); coding-DNA position 2199, G replaced by T.
Protein change: p.Glu733Asp; replaces glutamic acid 733 with aspartic acid.
Molecular consequence: missense variant.
Genome position (GRCh38, 1-based): chr1:154,596,876, C>A on the plus strand (G>T on the coding strand, the complement: ADAR is on the minus strand). VCF-style: chr1-154596876-C-A. GRCh37 (hg19) VCF-style: chr1-154569352-C-A.
Other names: c.1314G>T, p.Glu438Asp (NM_001025107.3, NM_001193495.2, NM_001365046.1 and 3 more transcripts); c.2226G>T, p.Glu742Asp (NM_001365045.1); c.2199G>T, p.Glu733Asp (NM_015840.4); c.2142G>T, p.Glu714Asp (NM_015841.4); short protein forms E438D, E742D, E714D, E733D.
Identifiers: ClinVar variation 2104537 (VCV002104537.4), dbSNP rs2526589033, ClinGen allele CA342637795.

ClinVar aggregate classification (germline): Uncertain significance (1 of 4 stars; one submission).

Conditions:
Aicardi-Goutieres syndrome 6 (AGS6). Identifiers: Orphanet 51, MedGen C3539013, MONDO:0014007, OMIM 615010.
Symmetrical dyschromatosis of extremities (DSH). Also called: DYSCHROMATOSIS SYMMETRICA HEREDITARIA 1; Dyschromatosis symmetrica hereditaria; RETICULATE ACROPIGMENTATION OF DOHI; SYMMETRIC DYSCHROMATOSIS OF THE EXTREMITIES. Identifiers: Orphanet 41, MedGen C0406775, MONDO:0007483, OMIM 127400.

Submission:

Labcorp Genetics (formerly Invitae), Labcorp
Classification: Uncertain significance for Aicardi-Goutieres syndrome 6; Symmetrical dyschromatosis of extremities. Last evaluated: 2022-02-28. Review status: criteria provided, single submitter. Criteria: Invitae Variant Classification Sherloc (09022015). Collection method: clinical testing. Allele origin: germline.
Comment: In summary, the available evidence is currently insufficient to determine the role of this variant in disease. Therefore, it has been classified as a Variant of Uncertain Significance. Algorithms developed to predict the effect of missense changes on protein structure and function are either unavailable or do not agree on the potential impact of this missense change (SIFT: "Deleterious"; PolyPhen-2: "Possibly Damaging"; Align-GVGD: "Class C0"). This variant has not been reported in the literature in individuals affected with ADAR-related conditions. This variant is not present in population databases (gnomAD no frequency). This sequence change replaces glutamic acid, which is acidic and polar, with aspartic acid, which is acidic and polar, at codon 733 of the ADAR protein (p.Glu733Asp).